The following is an entry in ClinVar:

ClinVar aggregate classification (germline): Benign/Likely benign. Review status: criteria provided, multiple submitters, no conflicts (2 of 4 stars). 3 submissions from 3 submitters: Benign (1); Likely benign (2). Last evaluated 2025-09-03.

Conditions:
Familial adenomatous polyposis 1 (FAP1). Also called: POLYPOSIS, ADENOMATOUS INTESTINAL; FAMILIAL ADENOMATOUS POLYPOSIS 1, ATTENUATED. Identifiers: MedGen C2713442, MONDO:0021056, OMIM 175100. Disease mechanism: loss of function.
Hereditary cancer-predisposing syndrome. Also called: Hereditary neoplastic syndrome; Neoplastic Syndromes, Hereditary; Tumor predisposition; Hereditary Cancer Syndrome. Identifiers: Orphanet 140162, MedGen C0027672, MeSH D009386, MONDO:0015356.

Allele frequency attached by ClinVar (database versions not stated): gnomAD exomes below 0.00001 and 0.00001; TOPMed below 0.00001; ExAC 0.00001.
gnomAD v4.1: 4 of 1,614,208 alleles (0.00025%); highest among the groups gnomAD compares: Non-Finnish European, 0.00034%; no homozygotes.

Submissions (3):

Labcorp Genetics (formerly Invitae), Labcorp
Classification: Likely benign for Familial adenomatous polyposis 1. Last evaluated: 2025-09-03. Review status: criteria provided, single submitter. Criteria: Invitae Variant Classification Sherloc (09022015). Collection method: clinical testing. Allele origin: germline.

Myriad Genetics, Inc.
Classification: Benign for Familial adenomatous polyposis 1. Last evaluated: 2024-03-14. Review status: criteria provided, single submitter. Criteria: Myriad Autosomal Dominant, Autosomal Recessive and X-Linked Classification Criteria (2023). Collection method: clinical testing. Allele origin: unknown.
Comment: This variant is considered benign. This variant is a silent/synonymous amino acid change and it is not expected to impact splicing.

Ambry Genetics
Classification: Likely benign for Hereditary cancer-predisposing syndrome. Last evaluated: 2017-07-03. Review status: criteria provided, single submitter. Criteria: Ambry Variant Classification Scheme 2023. Collection method: clinical testing. Allele origin: germline.

NM_000038.6(APC):c.2538T>A (p.Ser846=)

Gene: APC (APC regulator of Wnt signaling pathway; plus strand). Cytogenetic location: 5q22.2.
Variant type: single nucleotide variant.
Coding change: c.2538T>A on transcript NM_000038.6 (MANE Select); coding-DNA position 2538, T replaced by A.
Protein change: p.Ser846=; no amino-acid change (serine 846 retained).
Molecular consequence: synonymous variant.
Genome position (GRCh38, 1-based): chr5:112,838,132, T>A. VCF-style: chr5-112838132-T-A. GRCh37 (hg19) VCF-style: chr5-112173829-T-A.
Other names: c.2538T>A, p.Ser846= (NM_001127510.3, NM_001354895.2); c.2484T>A, p.Ser828= (NM_001127511.3); c.2592T>A, p.Ser864= (NM_001354896.2); c.2568T>A, p.Ser856= (NM_001354897.2); c.2463T>A, p.Ser821= (NM_001354898.2); c.2454T>A, p.Ser818= (NM_001354899.2); c.2415T>A, p.Ser805= (NM_001354900.2); c.2361T>A, p.Ser787= (NM_001354901.2); and 5 more.
Identifiers: ClinVar variation 469752 (VCV000469752.17), dbSNP rs759201675, ClinGen allele CA032437.
Genomic context (GRCh38, chr5:112,838,132, plus strand): 5'-GAATACTACAGTGTTACCCAGCTCCTCTTCATCAAGAGGAAGCTTAGATAGTTCTCGTTC[T>A]GAAAAAGATAGAAGTTTGGAGAGAGAACGCGGAATTGGTCTAGGCAACTACCATCCAGCA-3'
Protein context (NP_000029.2, residues 836-856): SSRGSLDSSR[Ser846=]EKDRSLERER